The following is an entry in ClinVar:

ClinVar aggregate classification (germline): Conflicting classifications of pathogenicity. Review status: criteria provided, conflicting classifications (1 of 4 stars). 3 submissions from 3 submitters: Likely pathogenic (1); Uncertain significance (1). 1 of the submissions does not count toward it. Last evaluated 2025-09-03.

Conditions:
Spinocerebellar ataxia, autosomal recessive 32 (SCAR32). Identifiers: MedGen C5676978, MONDO:0859245, OMIM 619862.

Allele frequency attached by ClinVar (database versions not stated): ExAC 0.00006; gnomAD exomes 0.00006; gnomAD 0.00007; TOPMed 0.00007; ESP Exome Variant Server 0.00015.
gnomAD v4.1: 215 of 1,611,992 alleles (0.013%); highest among the groups gnomAD compares: Middle Eastern, 0.021%; no homozygotes.

Submissions (3):

First Genomix Gene Laboratory, Genetic Diagnostics Department
Classification: Likely pathogenic for Spinocerebellar ataxia, autosomal recessive 32. Last evaluated: 2025-09-03. Review status: criteria provided, single submitter. Criteria: ACMG Guidelines, 2015. Collection method: clinical testing. Allele origin: germline. Inheritance: Autosomal recessive inheritance. Affected: no. Observed: 1 variant allele.

GeneDx
Classification: Uncertain significance. Last evaluated: 2024-05-31. Review status: criteria provided, single submitter. Criteria: GeneDx Variant Classification Process June 2021. Collection method: clinical testing. Allele origin: germline. Affected: yes.
Comment: In silico analysis supports that this missense variant has a deleterious effect on protein structure/function; This variant is associated with the following publications: (PMID: 33889951, 35766882)

OMIM
Classification: Pathogenic for SPINOCEREBELLAR ATAXIA, AUTOSOMAL RECESSIVE 32. Last evaluated: 2022-05-16. Review status: no assertion criteria provided. Collection method: literature only. Allele origin: germline. Not counted in ClinVar's aggregate classification.

Literature cited by the submitters: PubMed 33889951 (cited by OMIM).

NM_006793.5(PRDX3):c.425C>G (p.Ala142Gly)

Gene: PRDX3 (peroxiredoxin 3; minus strand). Cytogenetic location: 10q26.11.
Variant type: single nucleotide variant.
Coding change: c.425C>G on transcript NM_006793.5 (MANE Select); coding-DNA position 425, C replaced by G.
Protein change: p.Ala142Gly; replaces alanine 142 with glycine.
Molecular consequence: missense variant. On other transcripts: non-coding transcript variant (3).
Genome position (GRCh38, 1-based): chr10:119,173,759, G>C on the plus strand (C>G on the coding strand, the complement: PRDX3 is on the minus strand). VCF-style: chr10-119173759-G-C. GRCh37 (hg19) VCF-style: chr10-120933271-G-C.
Other names: c.425C>G (NM_006793.4); c.425C>G, p.Ala142Gly (NM_001302272.2); short protein forms A142G.
Identifiers: ClinVar variation 1686993 (VCV001686993.2), dbSNP rs202061531, ClinGen allele CA5714898.